The following is an entry in ClinVar:

ClinVar aggregate classification (germline): Uncertain significance (1 of 4 stars; one submission).

Conditions:
Rienhoff syndrome. Also called: LOEYS-DIETZ SYNDROME 5. Identifiers: MedGen C3810012, MONDO:0014262, OMIM 615582.

Submission:

Labcorp Genetics (formerly Invitae), Labcorp
Classification: Uncertain significance for Rienhoff syndrome. Last evaluated: 2025-02-23. Review status: criteria provided, single submitter. Criteria: Invitae Variant Classification Sherloc (09022015). Collection method: clinical testing. Allele origin: germline.
Comment: This sequence change replaces threonine, which is neutral and polar, with isoleucine, which is neutral and non-polar, at codon 356 of the TGFB3 protein (p.Thr356Ile). This variant is not present in population databases (gnomAD no frequency). This variant has not been reported in the literature in individuals affected with TGFB3-related conditions. Invitae Evidence Modeling of protein sequence and biophysical properties (such as structural, functional, and spatial information, amino acid conservation, physicochemical variation, residue mobility, and thermodynamic stability) indicates that this missense variant is not expected to disrupt TGFB3 protein function with a negative predictive value of 80%. In summary, the available evidence is currently insufficient to determine the role of this variant in disease. Therefore, it has been classified as a Variant of Uncertain Significance.

NM_003239.5(TGFB3):c.1067C>T (p.Thr356Ile)

Gene: TGFB3 (transforming growth factor beta 3; minus strand). Cytogenetic location: 14q24.3.
Variant type: single nucleotide variant.
Coding change: c.1067C>T on transcript NM_003239.5 (MANE Select); coding-DNA position 1067, C replaced by T.
Protein change: p.Thr356Ile; replaces threonine 356 with isoleucine.
Molecular consequence: missense variant.
Genome position (GRCh38, 1-based): chr14:75,960,936, G>A on the plus strand (C>T on the coding strand, the complement: TGFB3 is on the minus strand). VCF-style: chr14-75960936-G-A. GRCh37 (hg19) VCF-style: chr14-76427279-G-A.
Other names: c.1067C>T, p.Thr356Ile (NM_001329939.2); short protein forms T356I.
Identifiers: ClinVar variation 4772783 (VCV004772783.1).
Genomic context (GRCh38, chr14:75,960,936, plus strand): 5'-TGGTCGGTCAGCCCCAGTGCCTCAGATGGCATGAGCCTGCTCCATACCGTGCTGTGGGTT[G>A]TGTCTGCACTGCGGAGGTATGGGCAAGGGCCTGAGCAGAAGTTGGCATAGTAGCCCTTAG-3'
Protein context (NP_003230.1, residues 346-366): GPCPYLRSAD[Thr356Ile]THSTVLGLYN